The following is an entry in ClinVar:

NM_001370658.1(BTD):c.38_44delinsTCC (p.Cys13fs)

Gene: BTD (biotinidase; plus strand). Cytogenetic location: 3p25.1.
Variant type: Indel.
Coding change: c.38_44delinsTCC on transcript NM_001370658.1 (MANE Select); coding-DNA positions 38 to 44, GCGGCTG replaced by TCC.
Protein change: p.Cys13fs; shifts the reading frame from cysteine 13.
Molecular consequence: frameshift variant.
Genome position (GRCh38, 1-based): chr3:15,635,477-15,635,483, GCGGCTG replaced by TCC. VCF-style: chr3-15635477-GCGGCTG-TCC. GRCh37 (hg19) VCF-style: chr3-15676984-GCGGCTG-TCC.
Other names: C33fs; G98:d7i3; c.38_44delGCGGCTGinsTCC (NM_001370658.1); c.38_44delinsTCC, p.Cys13fs (NM_001281723.4, NM_001281724.3, NM_001281725.3 and 37 more transcripts); c.98_104delinsTCC (NM_000060.4); short protein forms C13fs.
Identifiers: ClinVar variation 1895 (VCV000001895.63), dbSNP rs80338684, ClinGen allele CA285306.

ClinVar aggregate classification (germline): Pathogenic. Review status: criteria provided, multiple submitters, no conflicts (2 of 4 stars). 28 submissions from 28 submitters: Pathogenic (24). 4 of the submissions do not count toward it. Last evaluated 2026-04-29.

Conditions:
BTD-related disorder. Also called: BTD-related condition.
Biotinidase deficiency. Also called: Biotin deficiency; BTD deficiency; Late-onset biotin-responsive multiple carboxylase deficiency. Identifiers: Orphanet 79241, MedGen C0220754, MONDO:0009665, OMIM 253260.

Submissions 1 to 13 of 28:

PreventionGenetics, part of Exact Sciences
Classification: Pathogenic for BTD-related condition. Last evaluated: 2026-04-29. Review status: criteria provided, single submitter. Criteria: ACMG Guidelines, 2015. Collection method: clinical testing. Allele origin: germline.
Comment: The BTD c.98_104delinsTCC variant is predicted to result in a frameshift and premature protein termination (p.Cys33Phefs*36). This variant, also described as G98:d7i3, has been documented as one of the most common causative variants in symptomatic biotinidase deficiency patients (for example, see Pomponio et al. 1995. PubMed ID: 7550325; Wolf. 2012. PubMed ID: 22241090; OMIM #253260). This variant has not been reported in a large population database (gnomAD), indicating this variant is rare. Frameshift variants in BTD are expected to be pathogenic. This variant is interpreted as pathogenic.

Labcorp Genetics (formerly Invitae), Labcorp
Classification: Pathogenic for Biotinidase deficiency. Last evaluated: 2026-01-26. Review status: criteria provided, single submitter. Criteria: Invitae Variant Classification Sherloc (09022015). Collection method: clinical testing. Allele origin: germline.
Comment: This sequence change creates a premature translational stop signal (p.Cys33Phefs*36) in the BTD gene. It is expected to result in an absent or disrupted protein product. Loss-of-function variants in BTD are known to be pathogenic (PMID: 20083419). Information on the frequency of this variant in the gnomAD database is not available, as this variant may be reported differently in the database. This premature translational stop signal has been observed in individual(s) with biotinidase deficiency (PMID: 7550325, 27657684, 27845546, 28220409; internal data). ClinVar contains an entry for this variant (Variation ID: 631911). For these reasons, this variant has been classified as Pathogenic.

Women's Health and Genetics/Laboratory Corporation of America, LabCorp
Classification: Pathogenic for Biotinidase deficiency. Last evaluated: 2026-01-23. Review status: criteria provided, single submitter. Criteria: LabCorp Variant Classification Summary - May 2015. Collection method: clinical testing. Allele origin: germline.
Comment: Variant summary: BTD c.38_44delinsTCC (p.Cys13PhefsX36) results in a premature termination codon, predicted to cause a truncation of the encoded protein or absence of the protein due to nonsense mediated decay, which are commonly known mechanisms for disease. The variant allele was found at a frequency of 0.00011 in 282748 control chromosomes. This frequency is not significantly higher than estimated for disease-causing variants in BTD, allowing no conclusion about variant significance. c.38_44delinsTCC has been observed in multiple individuals affected with Biotinidase Deficiency (e.g. Ciki_2024). These data indicate that the variant is very likely to be associated with disease. The following publication has been ascertained in the context of this evaluation (PMID: 39582447). ClinVar contains an entry for this variant (Variation ID: 1895). Based on the evidence outlined above, the variant was classified as pathogenic.

CeGaT Center for Human Genetics Tuebingen
Classification: Pathogenic. Last evaluated: 2025-11-01. Review status: criteria provided, single submitter. Criteria: CeGaT Center For Human Genetics Tuebingen Variant Classification Criteria Version 2. Collection method: clinical testing. Allele origin: germline. Affected: yes. Observed: 1 variant allele.
Comment: BTD: PM3:Very Strong, PVS1, PM2

ARUP Laboratories, Molecular Genetics and Genomics, ARUP Laboratories
Classification: Pathogenic for Biotinidase deficiency. Last evaluated: 2025-07-14. Review status: criteria provided, single submitter. Criteria: ARUP Molecular Germline Variant Investigation Process 2024. Collection method: clinical testing. Allele origin: germline.
Comment: The BTD c.38_44delinsTCC; p.Cys13PhefsTer36 variant (rs80338684), also known as c.98_104delinsTCC; p.Cys33PhefsTer36 for NM_000060.2, is reported in the literature in the homozygous or compound heterozygous state in multiple individuals affected with profound biotinidase deficiency (Al-Eitan 2020, Ferreira 2017, Pomponio 1995, Senanayake 2015) and is also reported in ClinVar (Variation ID: 1895). This variant is absent from the Genome Aggregation Database, indicating it is not a common polymorphism. This variant causes a frameshift by deleting seven and inserting three nucleotides, so it is predicted to result in a truncated protein or mRNA subject to nonsense-mediated decay. Based on available information, this variant is considered to be pathogenic. References: Al-Eitan LN et al. Identification and Characterization of BTD Gene Mutations in Jordanian Children with Biotinidase Deficiency. J Pers Med. 2020 Jan 21;10(1):4. PMID: 31973013. Ferreira P, Chan A, Wolf B. Irreversibility of Symptoms with Biotin Therapy in an Adult with Profound Biotinidase Deficiency. JIMD Rep. 2017;36:117-120. PMID: 28220409. Pomponio RJ et al. Mutational hotspot in the human biotinidase gene causes profound biotinidase deficiency. Nat Genet. 1995 Sep;11(1):96-8. PMID: 7550325. Senanayake DN et al. First contiguous gene deletion causing biotinidase deficiency: The enzyme deficiency in three Sri Lankan children. Mol Genet Metab Rep. 2015 Feb 7;2:81-84. PMID: 28649532.

Revvity Omics, Revvity
Classification: Pathogenic for Biotinidase deficiency. Last evaluated: 2025-05-30. Review status: criteria provided, single submitter. Criteria: ACMG Guidelines, 2015. Collection method: clinical testing. Allele origin: germline.

Variantyx, Inc.
Classification: Pathogenic for Biotinidase deficiency. Last evaluated: 2025-04-18. Review status: criteria provided, single submitter. Criteria: Variantyx Assertion Criteria 2022. Collection method: clinical testing. Allele origin: germline. Inheritance: Autosomal recessive inheritance. Affected: no.
Comment: This is a frameshift variant in the BTD gene (OMIM: 609019). Pathogenic variants in this gene have been associated with autosomal recessive biotinidase deficiency. The alteration introduces a premature termination codon in exon 2 out of 14 and is expected to result in loss of function, which is a known disease mechanism for BTD in this disorder (PMID: 20083419) (PVS1). It has been identified in the homozygous or compound heterozygous state in many individuals reported in the published literature (PMID: 28281033, 28649532, 35195902, 38299772 ) (PM3). The maximum allele frequency in non-founder control populations of this variant is 0.0889% (PM2). Based on the current evidence, this variant is classified as pathogenic for autosomal recessive biotinidase deficiency.

3billion
Classification: Pathogenic for Biotinidase deficiency. Last evaluated: 2024-12-24. Review status: criteria provided, single submitter. Criteria: ACMG Guidelines, 2015. Collection method: clinical testing. Allele origin: germline. Affected: yes.
Comment: The variant is not observed in the gnomAD v4.1.0 dataset. Predicted Consequence/Location: Frameshift: predicted to result in a loss or disruption of normal protein function through nonsense-mediated decay (NMD) or protein truncation. Multiple pathogenic variants are reported downstream of the variant. The variant has been reported at least twice as pathogenic with clinical assertions and evidence for the classification (ClinVar ID: VCV000001895 /PMID: 7550325). Therefore, this variant is classified as Pathogenic according to the recommendation of ACMG/AMP guideline.

Dubai Health Genomic Medicine Center, Dubai Health
Classification: Pathogenic for Biotinidase deficiency. Last evaluated: 2024-10-04. Review status: criteria provided, single submitter. Criteria: ACMG Guidelines, 2015. Collection method: research. Allele origin: germline. Affected: yes.
Comment: PVS1,PM3,PM2

Fulgent Genetics
Classification: Pathogenic for Biotinidase deficiency. Last evaluated: 2024-06-23. Review status: criteria provided, single submitter. Criteria: ACMG Guidelines, 2015. Collection method: clinical testing. Allele origin: germline.

Genomic Medicine Center of Excellence, King Faisal Specialist Hospital and Research Centre
Classification: Pathogenic for Biotinidase deficiency. Last evaluated: 2024-03-26. Review status: criteria provided, single submitter. Criteria: ACMG Guidelines, 2015. Collection method: clinical testing. Allele origin: germline.

Quest Diagnostics Nichols Institute San Juan Capistrano
Classification: Pathogenic. Last evaluated: 2023-11-03. Review status: criteria provided, single submitter. Criteria: Quest Diagnostics criteria. Collection method: clinical testing. Allele origin: unknown.
Comment: The BTD c.98_104delinsTCC (p.Cys33Phefs*36) variant alters the translational reading frame of the BTD mRNA and causes the premature termination of BTD protein synthesis. This variant has been reported in the published literature in individuals with biotinidase deficiency (PMIDs: 9099842 (1997), 15776412 (2005), 20083419 (2010), 27845546 (2016), 27329734 (2016), 28220409 (2017), 27657684 (2017)). This variant has not been reported in large, multi-ethnic general populations (Genome Aggregation Database). Based on the available information, this variant is classified as pathogenic.

Blueprint Genetics
Classification: Pathogenic for BTD-related disorders. Last evaluated: 2023-09-06. Review status: criteria provided, single submitter. Criteria: ACMG Guidelines, 2015. Collection method: clinical testing. Allele origin: germline. Affected: yes. Observed: 2 variant alleles.